The following is an entry in ClinVar:

ClinVar aggregate classification (germline): Uncertain significance. Review status: criteria provided, multiple submitters, no conflicts (2 of 4 stars). 2 submissions from 2 submitters: Uncertain significance (2). Last evaluated 2022-12-02.

Conditions:
Charcot-Marie-Tooth disease axonal type 2P. Also called: CHARCOT-MARIE-TOOTH NEUROPATHY, TYPE 2P; CHARCOT-MARIE-TOOTH DISEASE, AXONAL, TYPE 2G; CMT 2G; Charcot-Marie-Tooth Neuropathy Type 2G. Identifiers: Orphanet 300319, Orphanet 99941, MedGen C3280797, MONDO:0013753, OMIM 614436.

Submissions (2):

GeneDx
Classification: Uncertain significance. Last evaluated: 2022-12-02. Review status: criteria provided, single submitter. Criteria: GeneDx Variant Classification Process June 2021. Collection method: clinical testing. Allele origin: germline. Affected: yes.
Comment: Has not been previously published as pathogenic or benign to our knowledge; Not observed at significant frequency in large population cohorts (gnomAD); In silico analysis supports that this missense variant has a deleterious effect on protein structure/function

Labcorp Genetics (formerly Invitae), Labcorp
Classification: Uncertain significance for Charcot-Marie-Tooth disease axonal type 2P. Last evaluated: 2019-09-03. Review status: criteria provided, single submitter. Criteria: Invitae Variant Classification Sherloc (09022015). Collection method: clinical testing. Allele origin: germline.
Comment: This variant has not been reported in the literature in individuals with LRSAM1-related conditions. In summary, the available evidence is currently insufficient to determine the role of this variant in disease. Therefore, it has been classified as a Variant of Uncertain Significance. Algorithms developed to predict the effect of missense changes on protein structure and function (SIFT, PolyPhen-2, Align-GVGD) all suggest that this variant is likely to be disruptive, but these predictions have not been confirmed by published functional studies and their clinical significance is uncertain. This variant is not present in population databases (ExAC no frequency). This sequence change replaces leucine with serine at codon 477 of the LRSAM1 protein (p.Leu477Ser). The leucine residue is highly conserved and there is a large physicochemical difference between leucine and serine.

NM_001005373.4(LRSAM1):c.1430T>C (p.Leu477Ser)

Gene: LRSAM1 (leucine rich repeat and sterile alpha motif containing 1; plus strand). Cytogenetic location: 9q33.3.
Variant type: single nucleotide variant.
Coding change: c.1430T>C on transcript NM_001005373.4 (MANE Select); coding-DNA position 1430, T replaced by C.
Protein change: p.Leu477Ser; replaces leucine 477 with serine.
Molecular consequence: missense variant. On other transcripts: non-coding transcript variant (2), intron variant (1).
Genome position (GRCh38, 1-based): chr9:127,491,222, T>C. VCF-style: chr9-127491222-T-C. GRCh37 (hg19) VCF-style: chr9-130253501-T-C.
Other names: c.1430T>C, p.Leu477Ser (NM_001005374.4, NM_001384142.1, NM_001384143.1 and 1 more transcripts); c.641T>C, p.Leu214Ser (NM_001384144.1); c.1423-1580T>C (NM_001190723.3); short protein forms L477S, L214S.
Identifiers: ClinVar variation 964291 (VCV000964291.10), dbSNP rs1835920830, ClinGen allele CA374933873.